The following is an entry in ClinVar:

NM_000722.4(CACNA2D1):c.818G>A (p.Arg273Gln)

Gene: CACNA2D1 (calcium voltage-gated channel auxiliary subunit alpha2delta 1; minus strand). Cytogenetic location: 7q21.11.
Variant type: single nucleotide variant.
Coding change: c.818G>A on transcript NM_000722.4 (MANE Select); coding-DNA position 818, G replaced by A.
Protein change: p.Arg273Gln; replaces arginine 273 with glutamine.
Molecular consequence: missense variant.
Genome position (GRCh38, 1-based): chr7:82,060,489, C>T on the plus strand (G>A on the coding strand, the complement: CACNA2D1 is on the minus strand). VCF-style: chr7-82060489-C-T. GRCh37 (hg19) VCF-style: chr7-81689805-C-T.
Other names: c.818G>A (NM_000722.2); c.818G>A, p.Arg273Gln (NM_001302890.2, NM_001366867.1); short protein forms R273Q.
Identifiers: ClinVar variation 1442348 (VCV001442348.8), dbSNP rs373911809, ClinGen allele CA4318213.

ClinVar aggregate classification (germline): Uncertain significance. Review status: criteria provided, multiple submitters, no conflicts (2 of 4 stars). 2 submissions from 2 submitters: Uncertain significance (2). Last evaluated 2025-04-17.

Conditions:
Brugada syndrome. Also called: Sudden unexplained nocturnal death syndrome; Sudden unexpected nocturnal death syndrome; Sudden Unexplained Death Syndrome; Sudden Unexplained Nocturnal Death Syndrome (SUNDS). Identifiers: Orphanet 130, MedGen C1142166, MONDO:0015263.
Cardiovascular phenotype. Identifiers: MedGen CN230736.

Allele frequency attached by ClinVar (database versions not stated): ExAC 0.00001; gnomAD exomes 0.00001; gnomAD 0.00003 and 0.00004; ESP Exome Variant Server 0.00008; TOPMed 0.00008.
gnomAD v4.1: 14 of 1,609,588 alleles (0.00087%); highest among the groups gnomAD compares: African/African-American, 0.0081%; no homozygotes.

Submissions (2):

Labcorp Genetics (formerly Invitae), Labcorp
Classification: Uncertain significance for Brugada syndrome. Last evaluated: 2025-04-17. Review status: criteria provided, single submitter. Criteria: Invitae Variant Classification Sherloc (09022015). Collection method: clinical testing. Allele origin: germline.
Comment: This sequence change replaces arginine, which is basic and polar, with glutamine, which is neutral and polar, at codon 273 of the CACNA2D1 protein (p.Arg273Gln). This variant is present in population databases (rs373911809, gnomAD 0.008%). This variant has not been reported in the literature in individuals affected with CACNA2D1-related conditions. ClinVar contains an entry for this variant (Variation ID: 1442348). An algorithm developed to predict the effect of missense changes on protein structure and function (PolyPhen-2) suggests that this variant is likely to be tolerated. In summary, the available evidence is currently insufficient to determine the role of this variant in disease. Therefore, it has been classified as a Variant of Uncertain Significance.

Ambry Genetics
Classification: Uncertain significance for Cardiovascular phenotype. Last evaluated: 2025-03-07. Review status: criteria provided, single submitter. Criteria: Ambry Variant Classification Scheme 2023. Collection method: clinical testing. Allele origin: germline.